The following is an entry in ClinVar:

NM_002907.4(RECQL):c.1730A>C (p.Asn577Thr)

Genes: PYROXD1 (pyridine nucleotide-disulphide oxidoreductase domain 1; plus strand), RECQL (RecQ like helicase; minus strand). Cytogenetic location: 12p12.1.
Variant type: single nucleotide variant.
Coding change: c.1730A>C on transcript NM_002907.4 (MANE Select); coding-DNA position 1730, A replaced by C.
Protein change: p.Asn577Thr; replaces asparagine 577 with threonine.
Molecular consequence: missense variant. On other transcripts: 3 prime UTR variant (3).
Genome position (GRCh38, 1-based): chr12:21,471,036, T>G on the plus strand (A>C on the coding strand, the complement: RECQL is on the minus strand). VCF-style: chr12-21471036-T-G. GRCh37 (hg19) VCF-style: chr12-21623970-T-G.
Other names: c.1730A>C, p.Asn577Thr (NM_032941.3); c.*2282T>G (NM_001350912.2, NM_001350913.2, NM_024854.5); short protein forms N577T.
Identifiers: ClinVar variation 1778969 (VCV001778969.10), dbSNP rs2540314073, ClinGen allele CA384114550.

ClinVar aggregate classification (germline): Conflicting classifications of pathogenicity. Review status: criteria provided, conflicting classifications (1 of 4 stars). 4 submissions from 4 submitters: Uncertain significance (3); Likely benign (1). Last evaluated 2025-09-19.

Submissions (4):

Quest Diagnostics Nichols Institute San Juan Capistrano
Classification: Uncertain significance. Last evaluated: 2025-09-19. Review status: criteria provided, single submitter. Criteria: Quest Diagnostics criteria. Collection method: clinical testing. Allele origin: unknown.
Comment: The RECQL c.1730A>C (p.Asn577Thr) variant has not been reported in individuals with RECQL-related conditions in the published literature. This variant has not been reported in large, multi-ethnic general populations (Genome Aggregation Database). Analysis of this variant using bioinformatics tools for the prediction of the effect of amino acid changes on protein structure and function yielded predictions that this variant is benign. Based on the available information, we are unable to determine the clinical significance of this variant.

Ambry Genetics
Classification: Likely benign. Last evaluated: 2024-03-29. Review status: criteria provided, single submitter. Criteria: Ambry Variant Classification Scheme 2023. Collection method: clinical testing. Allele origin: germline.

GeneDx
Classification: Uncertain significance. Last evaluated: 2022-09-03. Review status: criteria provided, single submitter. Criteria: GeneDx Variant Classification Process June 2021. Collection method: clinical testing. Allele origin: germline. Affected: yes.
Comment: Not observed at significant frequency in large population cohorts (gnomAD); In silico analysis supports that this missense variant does not alter protein structure/function; Has not been previously published as pathogenic or benign to our knowledge; This variant is associated with the following publications: (PMID: 19151156, 27248010)

Labcorp Genetics (formerly Invitae), Labcorp
Classification: Uncertain significance. Last evaluated: 2022-07-28. Review status: criteria provided, single submitter. Criteria: Invitae Variant Classification Sherloc (09022015). Collection method: clinical testing. Allele origin: germline.
Comment: This sequence change replaces asparagine, which is neutral and polar, with threonine, which is neutral and polar, at codon 577 of the RECQL protein (p.Asn577Thr). This variant is not present in population databases (gnomAD no frequency). This variant has not been reported in the literature in individuals affected with RECQL-related conditions. Algorithms developed to predict the effect of missense changes on protein structure and function (SIFT, PolyPhen-2, Align-GVGD) all suggest that this variant is likely to be tolerated. In summary, the available evidence is currently insufficient to determine the role of this variant in disease. Therefore, it has been classified as a Variant of Uncertain Significance.